The following is an entry in ClinVar:

NM_000059.4(BRCA2):c.3458del (p.Lys1153fs)

Gene: BRCA2 (BRCA2 DNA repair associated; plus strand). Cytogenetic location: 13q13.1.
Variant type: Deletion.
Coding change: c.3458del on transcript NM_000059.4 (MANE Select); coding-DNA position 3458, one base deleted (A; older notation c.3458delA).
Protein change: p.Lys1153fs; shifts the reading frame from lysine 1153.
Molecular consequence: frameshift variant.
Genome position (GRCh38, 1-based): chr13:32,337,813, A deleted; the last of 3 consecutive A bases (chr13:32,337,811-32,337,813); deleting any one gives the same sequence. VCF-style (leftmost placement, unchanged base first): chr13-32337810-TA-T. GRCh37 (hg19) VCF-style: chr13-32911947-TA-T.
Other names: 3686delA; c.3458delA (NM_000059.3).
Identifiers: ClinVar variation 126014 (VCV000126014.17), dbSNP rs80359386, ClinGen allele CA018110.
Genomic context (GRCh38, chr13:32,337,810, plus strand): 5'-AACCAAGCTACATATTGCAGAAGAGTACATTTGAAGTGCCTGAAAACCAGATGACTATCT[TA>T]AAGACCACTTCTGAGGAATGCAGAGATGCTGATCTTCATGTCATAATGAATGCCCCATCG-3'

ClinVar aggregate classification (germline): Pathogenic. Review status: reviewed by expert panel (3 of 4 stars). 8 submissions from 8 submitters: Pathogenic (1). 7 of the submissions do not count toward it. Last evaluated 2016-09-08.

Conditions:
Familial cancer of breast. Also called: BREAST CANCER, FAMILIAL; hereditary breast carcinoma; Hereditary breast cancer. Identifiers: Orphanet 227535, MedGen C0346153, MONDO:0016419, OMIM 114480. Disease mechanism: loss of function.
Fanconi anemia complementation group D1. Also called: BRCA2-Related Fanconi Anemia. Identifiers: Orphanet 319462, MedGen C1838457, MONDO:0011584, OMIM 605724.
Pancreatic cancer, susceptibility to, 2. Identifiers: Orphanet 1333, MedGen C3150546, MONDO:0013235, OMIM 613347.
Breast-ovarian cancer, familial, susceptibility to, 2 (BROVCA2). Also called: BRCA2 Hereditary Breast and Ovarian Cancer. Identifiers: Orphanet 145, MedGen C2675520, MONDO:0012933, OMIM 612555. Disease mechanism: loss of function.
Glioma susceptibility 3 (GLM3). Also called: Glioblastoma 3. Identifiers: Orphanet 182067, Orphanet 360, MedGen C2751641, MONDO:0013093, OMIM 613029.
Familial prostate cancer. Also called: Hereditary Prostate Cancer. Identifiers: MedGen C2931456, MONDO:0700275, OMIM 176807.
Medulloblastoma (MDB). Also called: MEDULLOBLASTOMA PREDISPOSITION SYNDROME; Medulloblastoma, somatic. Identifiers: Orphanet 616, MedGen C0025149, MeSH D008527, MONDO:0007959, OMIM 155255, HP:0002885.
Wilms tumor 1 (WT1). Also called: Wilms tumor, somatic. Identifiers: Orphanet 654, MedGen CN033288, MONDO:0008679, OMIM 194070.
Inherited breast cancer and ovarian cancer.
Hereditary cancer-predisposing syndrome. Also called: Tumor predisposition; Hereditary neoplastic syndrome; Hereditary Cancer Syndrome; Neoplastic Syndromes, Hereditary. Identifiers: Orphanet 140162, MedGen C0027672, MeSH D009386, MONDO:0015356.
Hereditary breast ovarian cancer syndrome. Also called: Hereditary breast and ovarian cancer; Hereditary breast and ovarian cancer syndrome (HBOC); Breast and ovarian cancer; BRCA1- and BRCA2-Associated Hereditary Breast and Ovarian Cancer; Hereditary breast and ovarian cancer syndrome; Hereditary breast and/or ovarian cancer syndrome. Identifiers: Orphanet 145, MedGen C0677776, MeSH D061325, MONDO:0003582. Disease mechanism: loss of function.

Submissions (8):

Evidence-based Network for the Interpretation of Germline Mutant Alleles (ENIGMA)
Classification: Pathogenic for Breast-ovarian cancer, familial, susceptibility to, 2. Last evaluated: 2016-09-08. Review status: reviewed by expert panel. Criteria: ENIGMA BRCA1/2 Classification Criteria (2015). Collection method: curation. Allele origin: germline.
Comment: Variant allele predicted to encode a truncated non-functional protein.

Genetics Laboratory, Great Ormond Street Hospital NHS Foundation Trust, North Thames Genomic Laboratory Hub
Classification: Pathogenic for Inherited breast cancer and ovarian cancer. Last evaluated: 2026-09-16. Review status: criteria provided, single submitter. Criteria: CanVIG BRCA Gene Specific V1.22. Collection method: clinical testing. Allele origin: germline. Affected: yes. Not counted in ClinVar's aggregate classification.
Comment: PS4_supporting, PM2_moderate, PVS1_very-strong, PM5_strong

Labcorp Genetics (formerly Invitae), Labcorp
Classification: Pathogenic for Hereditary breast ovarian cancer syndrome. Last evaluated: 2025-07-16. Review status: criteria provided, single submitter. Criteria: Invitae Variant Classification Sherloc (09022015). Collection method: clinical testing. Allele origin: germline. Not counted in ClinVar's aggregate classification.
Comment: This sequence change creates a premature translational stop signal (p.Lys1153Argfs*15) in the BRCA2 gene. It is expected to result in an absent or disrupted protein product. Loss-of-function variants in BRCA2 are known to be pathogenic (PMID: 20104584). This variant is not present in population databases (gnomAD no frequency). This premature translational stop signal has been observed in individual(s) with BRCA2-related conditions (PMID: 10923033, 21520333). This variant is also known as 3686delA. ClinVar contains an entry for this variant (Variation ID: 126014). For these reasons, this variant has been classified as Pathogenic.

Ambry Genetics
Classification: Pathogenic for Hereditary cancer-predisposing syndrome. Last evaluated: 2022-12-01. Review status: criteria provided, single submitter. Criteria: Ambry Variant Classification Scheme 2023. Collection method: clinical testing. Allele origin: germline. Not counted in ClinVar's aggregate classification.
Comment: The c.3458delA pathogenic mutation, located in coding exon 10 of the BRCA2 gene, results from a deletion of one nucleotide at nucleotide position 3458, causing a translational frameshift with a predicted alternate stop codon (p.K1153Rfs*15). In one study, this mutation was detected in 1/207 ovarian cancer patients who were offered BRCA1/2 testing, and the proband carrying this mutation also had a mother with ovarian cancer (George A et al. Sci Rep, 2016 Jul;6:29506). In addition to the clinical data presented in the literature, this alteration is expected to result in loss of function by premature protein truncation or nonsense-mediated mRNA decay. As such, this alteration is interpreted as a disease-causing mutation.

Department of Pathology and Laboratory Medicine, Sinai Health System
Classification: Pathogenic for Familial cancer of breast; Medulloblastoma; Familial prostate cancer; Wilms tumor 1; Fanconi anemia complementation group D1; Breast-ovarian cancer, familial, susceptibility to, 2; Glioma susceptibility 3; Pancreatic cancer, susceptibility to, 2. Last evaluated: 2022-05-18. Review status: criteria provided, single submitter. Criteria: ACMG Guidelines, 2015. Collection method: clinical testing. Allele origin: germline. Affected: no. Not counted in ClinVar's aggregate classification.

Consortium of Investigators of Modifiers of BRCA1/2 (CIMBA), c/o University of Cambridge
Classification: Pathogenic for Breast-ovarian cancer, familial, susceptibility to, 2. Last evaluated: 2015-10-02. Review status: criteria provided, single submitter. Criteria: CIMBA Mutation Classification guidelines May 2016. Collection method: clinical testing. Allele origin: germline. Not counted in ClinVar's aggregate classification.

Research Molecular Genetics Laboratory, Women's College Hospital, University of Toronto
Classification: Pathogenic for Hereditary breast ovarian cancer syndrome. Last evaluated: 2014-01-31. Review status: no assertion criteria provided. Collection method: research. Allele origin: germline. Affected: yes. Study: The Canadian Open Genetics Repository (COGR). Not counted in ClinVar's aggregate classification.

Breast Cancer Information Core (BIC) (BRCA2)
Classification: Pathogenic for Breast-ovarian cancer, familial 2. Last evaluated: 2003-12-23. Review status: no assertion criteria provided. Collection method: clinical testing. Allele origin: germline. Affected: yes. Observed: 1 variant allele. Not counted in ClinVar's aggregate classification.

Literature cited by the submitters: PubMed 20104584 (cited by Labcorp Genetics (formerly Invitae), Labcorp); PubMed 10923033 (cited by Labcorp Genetics (formerly Invitae), Labcorp); PubMed 21520333 (cited by Labcorp Genetics (formerly Invitae), Labcorp); PubMed 27406733 (cited by Ambry Genetics).